The following is an entry in ClinVar:

NM_001723.7(DST):c.3748C>T (p.Arg1250Ter)

Gene: DST (dystonin; minus strand). Cytogenetic location: 6p12.1.
Variant type: single nucleotide variant.
Coding change: c.3748C>T on transcript NM_001723.7 (MANE Plus Clinical); coding-DNA position 3748, C replaced by T.
Protein change: p.Arg1250Ter; replaces arginine 1250 with a stop codon.
Molecular consequence: nonsense. On other transcripts: intron variant (10).
Genome position (GRCh38, 1-based): chr6:56,620,286, G>A on the plus strand (C>T on the coding strand, the complement: DST is on the minus strand). VCF-style: chr6-56620286-G-A. GRCh37 (hg19) VCF-style: chr6-56485084-G-A.
Other names: c.4830+4244C>T (NM_001144769.5); c.4929+4244C>T (NM_001374722.1, NM_001374736.1); c.4956+4244C>T (NM_001374734.1); c.4416+4244C>T (NM_001144770.2); c.4296+4244C>T (NM_001374730.1, NM_001386100.1, NM_183380.4 and 1 more transcripts); c.3318+4244C>T (NM_015548.5); short protein forms R1250*.
Identifiers: ClinVar variation 1324300 (VCV001324300.13), dbSNP rs779271284, ClinGen allele CA3870655.

ClinVar aggregate classification (germline): Conflicting classifications of pathogenicity. Review status: criteria provided, conflicting classifications (1 of 4 stars). 5 submissions from 5 submitters: Pathogenic (1); Likely pathogenic (2); Uncertain significance (2). Last evaluated 2026-03-19.

Conditions:
Epidermolysis bullosa simplex 3, localized or generalized intermediate, with BP230 deficiency (EBS3). Also called: Epidermolysis bullosa simplex, autosomal recessive 2; Epidermolysis bullosa simplex due to BP230 deficiency. Identifiers: Orphanet 412181, MedGen C3809470, MONDO:0014180, OMIM 615425.
Hereditary sensory and autonomic neuropathy type 6. Also called: HSAN VI; Neuropathy, hereditary sensory and autonomic, type VI. Identifiers: Orphanet 314381, MedGen C3539003, MONDO:0013839, OMIM 614653.
DST-related disorder. Also called: DST-related condition; DST-related disorders.

Allele frequency attached by ClinVar (database versions not stated): ExAC 0.00001; gnomAD 0.00003; gnomAD exomes 0.00004.
gnomAD v4.1: 20 of 1,613,740 alleles (0.0012%); highest among the groups gnomAD compares: South Asian, 0.0033%; no homozygotes.

Submissions (5):

Dasa
Classification: Uncertain significance. Last evaluated: 2026-03-19. Review status: criteria provided, single submitter. Criteria: DASA Assertion Criteria. Collection method: clinical testing. Allele origin: germline.
Comment: NM_001723.7(DST):c.3748C>T (p.Arg1250*) is a nonsense variant in DST predicted to introduce a premature termination codon. This variant is rare in population databases. The currently available literature and clinical evidence are not sufficient to establish a definitive association between this variant and the reported condition. Therefore, this variant is classified as a variant of uncertain significance.

PreventionGenetics, part of Exact Sciences
Classification: Likely pathogenic for DST-related condition. Last evaluated: 2025-12-05. Review status: criteria provided, single submitter. Criteria: ACMG Guidelines, 2015. Collection method: clinical testing. Allele origin: germline.
Comment: The DST c.3748C>T variant is predicted to result in premature protein termination (p.Arg1250*). Of note, this variant would be referred to as c.4830+4244C>T with the neuronal isoform, NM_001144769. To our knowledge, this variant has not been reported in the literature. This variant is reported in 0.058% of alleles in individuals of Ashkenazi Jewish descent in gnomAD. Nonsense variants in this region of the epithelial specific isoform of DST are expected to be pathogenic. This variant is interpreted as likely pathogenic for autosomal recessive epidermolysis bullosa simplex.

Labcorp Genetics (formerly Invitae), Labcorp
Classification: Pathogenic for Epidermolysis bullosa simplex 3, localized or generalized intermediate, with BP230 deficiency; Hereditary sensory and autonomic neuropathy type 6. Last evaluated: 2024-10-06. Review status: criteria provided, single submitter. Criteria: Invitae Variant Classification Sherloc (09022015). Collection method: clinical testing. Allele origin: germline.
Comment: This sequence change creates a premature translational stop signal (p.Arg1250*) in the DST gene. It is expected to result in an absent or disrupted protein product. Loss-of-function variants in DST are known to be pathogenic (PMID: 22522446, 25059916, 30371979). This variant is present in population databases (rs779271284, gnomAD 0.06%). This variant has not been reported in the literature in individuals affected with DST-related conditions. ClinVar contains an entry for this variant (Variation ID: 1324300). For these reasons, this variant has been classified as Pathogenic.

GeneDx
Classification: Uncertain significance. Last evaluated: 2024-04-05. Review status: criteria provided, single submitter. Criteria: GeneDx Variant Classification Process June 2021. Collection method: clinical testing. Allele origin: germline. Affected: yes.
Comment: Nonsense variant predicted to result in protein truncation or nonsense mediated decay in a gene for which loss of function is a known mechanism of disease; Has not been previously published as pathogenic or benign to our knowledge; Reported using the transcript encoding the epithelial isoform of the gene

Revvity Omics, Revvity
Classification: Likely pathogenic. Last evaluated: 2020-03-28. Review status: criteria provided, single submitter. Criteria: ACMG Guidelines, 2015. Collection method: clinical testing. Allele origin: germline.

Literature cited by the submitters: PubMed 22522446 (cited by Labcorp Genetics (formerly Invitae), Labcorp); PubMed 25059916 (cited by Labcorp Genetics (formerly Invitae), Labcorp); PubMed 30371979 (cited by Labcorp Genetics (formerly Invitae), Labcorp).